The following is an entry in ClinVar:

NM_078480.3(PUF60):c.590dup (p.Arg198fs)

Gene: PUF60 (poly(U) binding splicing factor 60; minus strand). Cytogenetic location: 8q24.3.
Variant type: Duplication.
Coding change: c.590dup on transcript NM_078480.3 (MANE Select); coding-DNA position 590, one base duplicated (G; older notation c.590dupG).
Protein change: p.Arg198fs; shifts the reading frame from arginine 198.
Molecular consequence: frameshift variant.
Genome position (GRCh38, 1-based): chr8:143,818,206, C duplicated on the plus strand (G on the coding strand, the reverse complement: PUF60 is on the minus strand); the first of 6 consecutive C bases (chr8:143,818,206-143,818,211); duplicating any one gives the same sequence. VCF-style (leftmost placement, unchanged base first): chr8-143818205-G-GC. GRCh37 (hg19) VCF-style: chr8-144900375-G-GC.
Other names: c.461dup, p.Arg155fs (NM_001136033.3); c.536dup, p.Arg180fs (NM_001271096.2); c.452dup, p.Arg152fs (NM_001271097.2); c.587dup, p.Arg197fs (NM_001271098.2); c.503dup, p.Arg169fs (NM_001271099.2); c.410dup, p.Arg138fs (NM_001271100.2); c.701dup, p.Arg235fs (NM_001362895.2, NM_001362896.2); c.650dup, p.Arg218fs (NM_001362897.2); and 2 more; short protein forms R155fs, R169fs, R197fs, R152fs, R198fs, R235fs, R180fs, R181fs.
Identifiers: ClinVar variation 372883 (VCV000372883.8), dbSNP rs1057518046, ClinGen allele CA16042711.

ClinVar aggregate classification (germline): Pathogenic. Review status: criteria provided, multiple submitters, no conflicts (2 of 4 stars). 4 submissions from 4 submitters: Pathogenic (3). 1 of the submissions does not count toward it. Last evaluated 2025-11-13.

Conditions:
Inborn genetic diseases. Identifiers: MedGen C0950123, MeSH D030342.
8q24.3 microdeletion syndrome. Also called: CHROMOSOME 8q24.3 DELETION SYNDROME; Verheij syndrome. Identifiers: Orphanet 508488, MedGen C3810023, MONDO:0014263, OMIM 615583.

Submissions (4):

Ambry Genetics
Classification: Pathogenic for Inborn genetic diseases. Last evaluated: 2025-11-13. Review status: criteria provided, single submitter. Criteria: Ambry Variant Classification Scheme 2023. Collection method: clinical testing. Allele origin: germline.
Comment: The c.590dupG (p.R198Qfs*23) alteration, located in exon 7 (coding exon 7) of the PUF60 gene, consists of a duplication of G at position 590, causing a translational frameshift with a predicted alternate stop codon after 23 amino acids. This alteration is expected to result in loss of function by premature protein truncation or nonsense-mediated mRNA decay. This variant was not reported in population-based cohorts in the Genome Aggregation Database (gnomAD). Based on the available evidence, this alteration is classified as pathogenic.

3billion
Classification: Pathogenic for 8q24.3 microdeletion syndrome. Last evaluated: 2025-07-18. Review status: criteria provided, single submitter. Criteria: ACMG Guidelines, 2015. Collection method: clinical testing. Allele origin: germline. Affected: yes.
Comment: The variant is observed at an extremely low frequency in the gnomAD v4.1.0 dataset (total allele frequency: <0.001%). Predicted Consequence/Location: Frameshift: predicted to result in a loss or disruption of normal protein function through nonsense-mediated decay (NMD) or protein truncation. Multiple pathogenic variants are reported downstream of the variant. The variant has been reported at least twice as pathogenic without evidence for the classification (ClinVar ID: VCV000372883 /3billion dataset). Therefore, this variant is classified as Pathogenic according to the recommendation of ACMG/AMP guideline.

GeneDx
Classification: Pathogenic. Last evaluated: 2023-01-19. Review status: criteria provided, single submitter. Criteria: GeneDx Variant Classification Process June 2021. Collection method: clinical testing. Allele origin: germline. Affected: yes.
Comment: Frameshift variant predicted to result in protein truncation or nonsense mediated decay in a gene for which loss-of-function is a known mechanism of disease.; Not observed at significant frequency in large population cohorts (gnomAD); Has not been previously published as pathogenic or benign to our knowledge

Molecular Genetics laboratory, Necker Hospital
Classification: Likely pathogenic. Last evaluated: 2019-02-27. Review status: no assertion criteria provided. Collection method: clinical testing. Allele origin: de novo. Affected: yes. Not counted in ClinVar's aggregate classification.